The following is an entry in ClinVar:

NM_001293298.2(CEMIP):c.3090G>A (p.Leu1030=)

Gene: CEMIP (cell migration inducing hyaluronidase 1; plus strand). Cytogenetic location: 15q25.1.
Variant type: single nucleotide variant.
Coding change: c.3090G>A on transcript NM_001293298.2 (MANE Select); coding-DNA position 3090, G replaced by A.
Protein change: p.Leu1030=; no amino-acid change (leucine 1030 retained).
Molecular consequence: synonymous variant.
Genome position (GRCh38, 1-based): chr15:80,936,754, G>A. VCF-style: chr15-80936754-G-A. GRCh37 (hg19) VCF-style: chr15-81229095-G-A.
Other names: c.3090G>A, p.Leu1030= (NM_001293304.2, NM_018689.3).
Identifiers: ClinVar variation 4990777 (VCV004990777.1).

ClinVar aggregate classification (germline): Likely benign (1 of 4 stars; one submission).

Conditions:
CEMIP-related disorder. Also called: CEMIP-related condition.

gnomAD v4.1: 14 of 1,614,022 alleles (0.00087%); highest among the groups gnomAD compares: Admixed American, 0.023%; no homozygotes.

Submission:

PreventionGenetics, part of Exact Sciences
Classification: Likely benign for CEMIP-related condition. Last evaluated: 2025-02-11. Review status: criteria provided, single submitter. Criteria: ACMG Guidelines, 2015. Collection method: clinical testing. Allele origin: germline.
Comment: This variant is classified as likely benign based on ACMG/AMP sequence variant interpretation guidelines (Richards et al. 2015 PMID: 25741868, with internal and published modifications).